The following is an entry in ClinVar:

NM_003105.6(SORL1):c.1558G>A (p.Val520Met)

Gene: SORL1 (sortilin related receptor 1; plus strand). Cytogenetic location: 11q24.1.
Variant type: single nucleotide variant.
Coding change: c.1558G>A on transcript NM_003105.6 (MANE Select); coding-DNA position 1558, G replaced by A.
Protein change: p.Val520Met; replaces valine 520 with methionine.
Molecular consequence: missense variant.
Genome position (GRCh38, 1-based): chr11:121,522,951, G>A. VCF-style: chr11-121522951-G-A. GRCh37 (hg19) VCF-style: chr11-121393660-G-A.
Other names: short protein forms V520M.
Identifiers: ClinVar variation 2226555 (VCV002226555.4), dbSNP rs757312764, ClinGen allele CA6328664.
Genomic context (GRCh38, chr11:121,522,951, plus strand): 5'-AATAATTATTTCTCTTGCATTTTAGGCTCAGTGGGAAAGAACTTGGCTAGCAAGACAAAC[G>A]TGTACATCTCTAGCAGTGCTGGAGCCAGGTGGCGAGAGGTCAGCCCCCTCCCCCAATCCC-3'
Protein context (NP_003096.2, residues 510-530): VGKNLASKTN[Val520Met]YISSSAGARW

ClinVar aggregate classification (germline): Uncertain significance. Review status: criteria provided, multiple submitters, no conflicts (2 of 4 stars). 2 submissions from 2 submitters: Uncertain significance (2). Last evaluated 2025-11-20.

Allele frequency attached by ClinVar (database versions not stated): TOPMed 0.00003; gnomAD 0.00002; gnomAD exomes 0.00002; ExAC 0.00002.
gnomAD v4.1: 38 of 1,613,814 alleles (0.0024%); highest among the groups gnomAD compares: South Asian, 0.0033%; no homozygotes.

Submissions (2):

Labcorp Genetics (formerly Invitae), Labcorp
Classification: Uncertain significance. Last evaluated: 2025-11-20. Review status: criteria provided, single submitter. Criteria: Invitae Variant Classification Sherloc (09022015). Collection method: clinical testing. Allele origin: germline.
Comment: This sequence change replaces valine, which is neutral and non-polar, with methionine, which is neutral and non-polar, at codon 520 of the SORL1 protein (p.Val520Met). This variant is present in population databases (rs757312764, gnomAD 0.003%). This variant has not been reported in the literature in individuals affected with SORL1-related conditions. ClinVar contains an entry for this variant (Variation ID: 2226555). An algorithm developed to predict the effect of missense changes on protein structure and function (PolyPhen-2) suggests that this variant is likely to be tolerated. In summary, the available evidence is currently insufficient to determine the role of this variant in disease. Therefore, it has been classified as a Variant of Uncertain Significance.

Ambry Genetics
Classification: Uncertain significance. Last evaluated: 2022-12-21. Review status: criteria provided, single submitter. Criteria: Ambry Variant Classification Scheme 2023. Collection method: clinical testing. Allele origin: germline.